The following is an entry in ClinVar:

ClinVar aggregate classification (germline): Likely benign. Review status: criteria provided, multiple submitters, no conflicts (2 of 4 stars). 2 submissions from 2 submitters: Likely benign (2). Last evaluated 2025-02-16.

Conditions:
Leigh syndrome (NULS). Also called: Leigh's necrotizing encephalopathy; Leigh's disease; Leigh Syndrome (mtDNA deletion); Leigh Disease; Subacute necrotizing encephalopathy; Necrotizing encephalopathy infantile subacute of Leigh. Identifiers: Orphanet 506, MedGen C2931891, MONDO:0009723, OMIM 256000.

Submissions (2):

Laboratory of Genetics, Children's Clinical University Hospital Latvia
Classification: Likely benign. Last evaluated: 2025-02-16. Review status: criteria provided, single submitter. Criteria: ACMG Guidelines, 2015. Collection method: clinical testing. Allele origin: germline. Affected: yes.

Wong Mito Lab, Molecular and Human Genetics, Baylor College of Medicine
Classification: Likely benign for Leigh syndrome. Last evaluated: 2019-10-17. Review status: criteria provided, single submitter. Criteria: Modified ACMG Guidelines (Unpublished). Collection method: clinical testing. Allele origin: germline.
Comment: The NC_012920.1:m.9214A>G (YP_003024032.1:p.His3Arg) variant in MTCO3 gene is interpretated to be a Likely Benign variant based on the modified ACMG guidelines (unpublished). This variant meets the following evidence codes: BS1, BP6

NC_012920.1(MT-CO3):m.9214A>G

Gene: MT-CO3 (mitochondrially encoded cytochrome c oxidase III; plus strand).
Variant type: single nucleotide variant.
Genome position: chrM-9214-A-G.
Identifiers: ClinVar variation 693127 (VCV000693127.2), dbSNP rs1556423637, ClinGen allele CA414802445.
Genomic context (GRCh38, chrMT:9,214, plus strand): 5'-CAAGCCTACGTTTTCACACTTCTAGTAAGCCTCTACCTGCACGACAACACATAATGACCC[A>G]CCAATCACATGCCTATCATATAGTAAAACCCAGCCCATGACCCCTAACAGGGGCCCTCTC-3'